The following is an entry in ClinVar:

NM_001457.4(FLNB):c.5608G>A (p.Asp1870Asn)

Gene: FLNB (filamin B; plus strand). Cytogenetic location: 3p14.3.
Variant type: single nucleotide variant.
Coding change: c.5608G>A on transcript NM_001457.4 (MANE Select); coding-DNA position 5608, G replaced by A.
Protein change: p.Asp1870Asn; replaces aspartic acid 1870 with asparagine.
Molecular consequence: missense variant.
Genome position (GRCh38, 1-based): chr3:58,146,873, G>A. VCF-style: chr3-58146873-G-A. GRCh37 (hg19) VCF-style: chr3-58132600-G-A.
Other names: c.5701G>A, p.Asp1901Asn (NM_001164317.2); c.5575G>A, p.Asp1859Asn (NM_001164318.2); c.5536G>A, p.Asp1846Asn (NM_001164319.2); short protein forms D1901N, D1846N, D1859N, D1870N.
Identifiers: ClinVar variation 3685996 (VCV003685996.2).

ClinVar aggregate classification (germline): Uncertain significance (1 of 4 stars; one submission).

gnomAD v4.1: 18 of 1,614,036 alleles (0.0011%); highest among the groups gnomAD compares: Non-Finnish European, 0.0014%; no homozygotes.

Submission:

Labcorp Genetics (formerly Invitae), Labcorp
Classification: Uncertain significance. Last evaluated: 2024-12-09. Review status: criteria provided, single submitter. Criteria: Invitae Variant Classification Sherloc (09022015). Collection method: clinical testing. Allele origin: germline.
Comment: This sequence change replaces aspartic acid, which is acidic and polar, with asparagine, which is neutral and polar, at codon 1870 of the FLNB protein (p.Asp1870Asn). This variant is present in population databases (rs150522856, gnomAD 0.003%). This variant has not been reported in the literature in individuals affected with FLNB-related conditions. Invitae Evidence Modeling of protein sequence and biophysical properties (such as structural, functional, and spatial information, amino acid conservation, physicochemical variation, residue mobility, and thermodynamic stability) indicates that this missense variant is not expected to disrupt FLNB protein function with a negative predictive value of 95%. In summary, the available evidence is currently insufficient to determine the role of this variant in disease. Therefore, it has been classified as a Variant of Uncertain Significance.